The following is an entry in ClinVar:

NM_001378452.1(ITPR1):c.6489C>T (p.Asn2163=)

Gene: ITPR1 (inositol 1,4,5-trisphosphate receptor type 1; plus strand). Cytogenetic location: 3p26.1.
Variant type: single nucleotide variant.
Coding change: c.6489C>T on transcript NM_001378452.1 (MANE Select); coding-DNA position 6489, C replaced by T.
Protein change: p.Asn2163=; no amino-acid change (asparagine 2163 retained).
Molecular consequence: synonymous variant.
Genome position (GRCh38, 1-based): chr3:4,782,720, C>T. VCF-style: chr3-4782720-C-T. GRCh37 (hg19) VCF-style: chr3-4824404-C-T.
Other names: c.6345C>T, p.Asn2115= (NM_001099952.4); c.6444C>T, p.Asn2148= (NM_001168272.2); c.6300C>T, p.Asn2100= (NM_002222.7).
Identifiers: ClinVar variation 1902317 (VCV001902317.5), dbSNP rs2046914566, ClinGen allele CA432320546.

ClinVar aggregate classification (germline): Uncertain significance (1 of 4 stars; one submission).

Allele frequency attached by ClinVar (database versions not stated): gnomAD exomes below 0.00001; TOPMed below 0.00001.
gnomAD v4.1: 6 of 1,582,128 alleles (0.00038%); highest among the groups gnomAD compares: Non-Finnish European, 0.00052%; no homozygotes.

Submission:

Labcorp Genetics (formerly Invitae), Labcorp
Classification: Uncertain significance. Last evaluated: 2023-08-17. Review status: criteria provided, single submitter. Criteria: Invitae Variant Classification Sherloc (09022015). Collection method: clinical testing. Allele origin: germline.
Comment: This sequence change affects codon 2100 of the ITPR1 mRNA. It is a 'silent' change, meaning that it does not change the encoded amino acid sequence of the ITPR1 protein. In summary, the available evidence is currently insufficient to determine the role of this variant in disease. Therefore, it has been classified as a Variant of Uncertain Significance. Algorithms developed to predict the effect of sequence changes on RNA splicing suggest that this variant may create or strengthen a splice site. ClinVar contains an entry for this variant (Variation ID: 1902317). This variant has not been reported in the literature in individuals affected with ITPR1-related conditions. This variant is not present in population databases (gnomAD no frequency).